The following is an entry in ClinVar:

NM_001754.5(RUNX1):c.*4140C>T

Gene: RUNX1 (RUNX family transcription factor 1; minus strand). Cytogenetic location: 21q22.12.
Variant type: single nucleotide variant.
Coding change: c.*4140C>T on transcript NM_001754.5 (MANE Select); 4140 bases downstream of the stop codon, C replaced by T.
Molecular consequence: 3 prime UTR variant.
Genome position (GRCh38, 1-based): chr21:34,787,995, G>A on the plus strand (C>T on the coding strand, the complement: RUNX1 is on the minus strand). VCF-style: chr21-34787995-G-A. GRCh37 (hg19) VCF-style: chr21-36160292-G-A.
Other names: c.*4140C>T (NM_001754.4, NM_001001890.3).
Identifiers: ClinVar variation 339796 (VCV000339796.35), dbSNP rs141693054, ClinGen allele CA10644610.

ClinVar aggregate classification (germline): Benign. Review status: reviewed by expert panel (3 of 4 stars). 4 submissions from 4 submitters: Benign (1). 3 of the submissions do not count toward it. Last evaluated 2020-05-13.

Conditions:
Hereditary thrombocytopenia and hematological cancer predisposition syndrome associated with RUNX1. Also called: PLATELET DISORDER, ASPIRIN-LIKE; RUNX1 Familial Platelet Disorder with Associated Myeloid Malignancies; Familial Platelet Disorder with Propensity to Acute Myelogenous Leukemia; Familial thrombocytopenia with propensity to acute myelogenous leukemia. Identifiers: Orphanet 71290, MedGen C1832388, MeSH C563324, MONDO:0100083, OMIM 601399.
Hereditary thrombocytopenia and hematologic cancer predisposition syndrome. Identifiers: Orphanet 71290, MedGen CN281654, MONDO:0011071.

Allele frequency attached by ClinVar (database versions not stated): 1000 Genomes Project 0.00319; TOPMed 0.00331; 1000 Genomes Project 30x 0.00422; gnomAD exomes 0.00496.
gnomAD v4.1: 916 of 233,288 alleles (0.39%); highest among the groups gnomAD compares: Middle Eastern, 1.4%; 4 homozygotes.

Submissions (4):

ClinGen Myeloid Malignancy Variant Curation Expert Panel
Classification: Benign for Hereditary thrombocytopenia and hematologic cancer predisposition syndrome. Last evaluated: 2020-05-13. Review status: reviewed by expert panel. Criteria: ClinGen MyeloMalig ACMG Specifications v1. Collection method: curation. Allele origin: germline. Inheritance: Autosomal dominant inheritance.
Comment: The c.*4140C>T variant in the 3' UTR has an MAF of 0.005246 (0.5%, 16/3050 alleles) in the South Asian subpopulation of the gnomAD v3 cohort and is >= 0.0015 (0.15%) (BA1). This variant is detected in a homozygous state in 1 individual in the gnomAD v3 population database (BP2). In summary, this variant meets criteria to be classified as benign. ACMG/AMP criteria applied, as specified by the Myeloid Malignancy Variant Curation Expert Panel for RUNX1: BA1, BP2.

CeGaT Center for Human Genetics Tuebingen
Classification: Benign. Last evaluated: 2023-03-01. Review status: criteria provided, single submitter. Criteria: CeGaT Center For Human Genetics Tuebingen Variant Classification Criteria Version 2. Collection method: clinical testing. Allele origin: germline. Affected: yes. Observed: 3 variant alleles. Not counted in ClinVar's aggregate classification.
Comment: RUNX1: BS1, BS2

Illumina Laboratory Services, Illumina
Classification: Benign for Hereditary thrombocytopenia and hematological cancer predisposition syndrome associated with RUNX1. Last evaluated: 2018-01-12. Review status: criteria provided, single submitter. Criteria: ICSL Variant Classification Criteria 13 December 2019. Collection method: clinical testing. Allele origin: germline. Not counted in ClinVar's aggregate classification.
Comment: This variant was observed in the ICSL laboratory as part of a predisposition screen in an ostensibly healthy population. It had not been previously curated by ICSL or reported in the Human Gene Mutation Database (HGMD: prior to June 1st, 2018), and was therefore a candidate for classification through an automated scoring system. Utilizing variant allele frequency, disease prevalence and penetrance estimates, and inheritance mode, an automated score was calculated to assess if this variant is too frequent to cause the disease. Based on the score and internal cut-off values, a variant classified as benign is not then subjected to further curation. The score for this variant resulted in a classification of benign for this disease.

Breakthrough Genomics
Classification: Benign. Review status: criteria provided, single submitter. Criteria: ACMG Guidelines, 2015. Collection method: not provided. Allele origin: germline. Inheritance: Autosomal dominant inheritance. Affected: yes. Not counted in ClinVar's aggregate classification.